The following is an entry in ClinVar:

NM_032638.5(GATA2):c.288_289del (p.Trp97fs)

Gene: GATA2 (GATA binding protein 2; minus strand). Cytogenetic location: 3q21.3.
Variant type: Deletion.
Coding change: c.288_289del on transcript NM_032638.5 (MANE Select); coding-DNA positions 288 to 289, 2 bases deleted (CT; older notation c.288_289delCT).
Protein change: p.Trp97fs; shifts the reading frame from tryptophan 97.
Molecular consequence: frameshift variant.
Genome position (GRCh38, 1-based): chr3:128,486,309-128,486,310, AG deleted on the plus strand (CT on the coding strand, the reverse complement: GATA2 is on the minus strand). VCF-style (leftmost placement, unchanged base first): chr3-128486308-CAG-C. GRCh37 (hg19) VCF-style: chr3-128205151-CAG-C.
Other names: c.288_289del, p.Trp97fs (NM_001145661.2, NM_001145662.1); short protein forms W97fs.
Identifiers: ClinVar variation 2027087 (VCV002027087.4), dbSNP rs2472932149, ClinGen allele CA2580068754.

ClinVar aggregate classification (germline): Pathogenic (1 of 4 stars; one submission).

Conditions:
Monocytopenia with susceptibility to infections. Also called: MONOCYTOPENIA AND MYCOBACTERIAL INFECTION SYNDROME; MONOCYTOPENIA WITH SUSCEPTIBILITY TO MYCOBACTERIAL, FUNGAL, AND PAPILLOMAVIRUS INFECTIONS AND MYELODYSPLASIA; COMBINED IMMUNODEFICIENCY WITH SUSCEPTIBILITY TO MYCOBACTERIAL, VIRAL, AND FUNGAL INFECTIONS; Dendritic cell, monocyte, B lymphocyte, and natural killer lymphocyte deficiency; IMMUNODEFICIENCY 21; GATA2 DEFICIENCY. Identifiers: Orphanet 228423, MedGen C3280030, MONDO:0013607, OMIM 614172.
Deafness-lymphedema-leukemia syndrome. Also called: Lymphedema, primary, with myelodysplasia; Emberger syndrome. Identifiers: Orphanet 3226, MedGen C3279664, MONDO:0013540, OMIM 614038.

Submission:

Labcorp Genetics (formerly Invitae), Labcorp
Classification: Pathogenic for Monocytopenia with susceptibility to infections; Deafness-lymphedema-leukemia syndrome. Last evaluated: 2022-08-25. Review status: criteria provided, single submitter. Criteria: Invitae Variant Classification Sherloc (09022015). Collection method: clinical testing. Allele origin: germline.
Comment: For these reasons, this variant has been classified as Pathogenic. This variant has not been reported in the literature in individuals affected with GATA2-related conditions. This variant is not present in population databases (gnomAD no frequency). This sequence change creates a premature translational stop signal (p.Trp97Alafs*87) in the GATA2 gene. It is expected to result in an absent or disrupted protein product. Loss-of-function variants in GATA2 are known to be pathogenic (PMID: 21670465, 23223431).

Literature cited by the submitters: PubMed 21670465; PubMed 23223431.